The following is an entry in ClinVar:

NM_019098.5(CNGB3):c.552C>G (p.Tyr184Ter)

Gene: CNGB3 (cyclic nucleotide gated channel subunit beta 3; minus strand). Cytogenetic location: 8q21.3.
Variant type: single nucleotide variant.
Coding change: c.552C>G on transcript NM_019098.5 (MANE Select); coding-DNA position 552, C replaced by G.
Protein change: p.Tyr184Ter; replaces tyrosine 184 with a stop codon.
Molecular consequence: nonsense.
Genome position (GRCh38, 1-based): chr8:86,668,110, G>C on the plus strand (C>G on the coding strand, the complement: CNGB3 is on the minus strand). VCF-style: chr8-86668110-G-C. GRCh37 (hg19) VCF-style: chr8-87680338-G-C.
Other names: short protein forms Y184*.
Identifiers: ClinVar variation 5012360 (VCV005012360.1).

ClinVar aggregate classification (germline): Pathogenic (1 of 4 stars; one submission).

Conditions:
Achromatopsia 3 (ACHM3). Also called: ACHROMATOPSIA WITH MYOPIA; PINGELAPESE BLINDNESS; TOTAL COLORBLINDNESS WITH MYOPIA; ROD MONOCHROMACY 1; ROD MONOCHROMATISM 1. Identifiers: Orphanet 49382, MedGen C1849792, MONDO:0009875, OMIM 262300.

Submission:

Myriad Genetics, Inc.
Classification: Pathogenic for Achromatopsia 3. Last evaluated: 2023-10-05. Review status: criteria provided, single submitter. Criteria: Myriad Autosomal Dominant, Autosomal Recessive and X-Linked Classification Criteria (2023). Collection method: clinical testing. Allele origin: unknown.
Comment: NM_019098.4(CNGB3):c.552C>G(Y184*) is expected to be pathogenic in the context of achromatopsia, CNGB3-related. This variant is predicted to lead to an abnormal or absent protein product due to the creation of a premature termination codon in CNGB3, a gene where loss-of-function variants are known to be pathogenic. Please note: this variant was assessed in the context of healthy population screening.